The following is an entry in ClinVar:

NM_025132.4(WDR19):c.717-1G>C

Gene: WDR19 (WD repeat domain 19; plus strand). Cytogenetic location: 4p14.
Variant type: single nucleotide variant.
Coding change: c.717-1G>C on transcript NM_025132.4 (MANE Select); the canonical splice acceptor site of the intron before coding-DNA position 717, G replaced by C.
Molecular consequence: splice acceptor variant.
Genome position (GRCh38, 1-based): chr4:39,205,562, G>C. VCF-style: chr4-39205562-G-C. GRCh37 (hg19) VCF-style: chr4-39207182-G-C.
Other names: c.237-1G>C (NM_001317924.2).
Identifiers: ClinVar variation 1499324 (VCV001499324.8), dbSNP rs2109300967, ClinGen allele CA356634201.

ClinVar aggregate classification (germline): Likely pathogenic (1 of 4 stars; one submission).

Conditions:
Asphyxiating thoracic dystrophy 5 (SRTD5). Also called: SHORT-RIB THORACIC DYSPLASIA 5 WITHOUT POLYDACTYLY; SHORT-RIB THORACIC DYSPLASIA 5 WITH OR WITHOUT POLYDACTYLY. Identifiers: Orphanet 474, MedGen C3280598, MONDO:0013717, OMIM 614376.
Senior-Loken syndrome 8 (SLSN8). Identifiers: Orphanet 3156, MedGen C4225376, MONDO:0014579, OMIM 616307.

Submission:

Labcorp Genetics (formerly Invitae), Labcorp
Classification: Likely pathogenic for Senior-Loken syndrome 8; Asphyxiating thoracic dystrophy 5. Last evaluated: 2021-04-10. Review status: criteria provided, single submitter. Criteria: Invitae Variant Classification Sherloc (09022015). Collection method: clinical testing. Allele origin: germline.
Comment: In summary, the currently available evidence indicates that the variant is pathogenic, but additional data are needed to prove that conclusively. Therefore, this variant has been classified as Likely Pathogenic. Algorithms developed to predict the effect of sequence changes on RNA splicing suggest that this variant may disrupt the consensus splice site, but this prediction has not been confirmed by published transcriptional studies. This variant has not been reported in the literature in individuals with WDR19-related conditions. This variant is not present in population databases (ExAC no frequency). This sequence change affects an acceptor splice site in intron 8 of the WDR19 gene. It is expected to disrupt RNA splicing. Variants that disrupt the donor or acceptor splice site typically lead to a loss of protein function (PMID: 16199547), and loss-of-function variants in WDR19 are known to be pathogenic (PMID: 22019273, 23559409, 23683095, 26275793, 27241786, 29068549).

Literature cited by the submitters: PubMed 16199547; PubMed 22019273; PubMed 23559409; PubMed 23683095; PubMed 26275793; PubMed 27241786; PubMed 29068549.